The following is an entry in ClinVar:

ClinVar aggregate classification (germline): Uncertain significance (1 of 4 stars; one submission).

Conditions:
Chédiak-Higashi syndrome (CHS). Also called: Chediak-Higashi Syndrome. Identifiers: Orphanet 167, MedGen C0007965, MONDO:0008963, OMIM 214500.

Allele frequency attached by ClinVar (database versions not stated): gnomAD exomes below 0.00001.
gnomAD v4.1: 2 of 1,605,934 alleles (0.00012%); highest among the groups gnomAD compares: Non-Finnish European, 0.00017%; no homozygotes.

Submission:

Labcorp Genetics (formerly Invitae), Labcorp
Classification: Uncertain significance for Chédiak-Higashi syndrome. Last evaluated: 2025-03-18. Review status: criteria provided, single submitter. Criteria: Invitae Variant Classification Sherloc (09022015). Collection method: clinical testing. Allele origin: germline.
Comment: This sequence change replaces tyrosine, which is neutral and polar, with cysteine, which is neutral and slightly polar, at codon 2472 of the LYST protein (p.Tyr2472Cys). This variant is not present in population databases (gnomAD no frequency). This variant has not been reported in the literature in individuals affected with LYST-related conditions. ClinVar contains an entry for this variant (Variation ID: 2114246). Invitae Evidence Modeling of protein sequence and biophysical properties (such as structural, functional, and spatial information, amino acid conservation, physicochemical variation, residue mobility, and thermodynamic stability) indicates that this missense variant is not expected to disrupt LYST protein function with a negative predictive value of 80%. In summary, the available evidence is currently insufficient to determine the role of this variant in disease. Therefore, it has been classified as a Variant of Uncertain Significance.

NM_000081.4(LYST):c.7415A>G (p.Tyr2472Cys)

Gene: LYST (lysosomal trafficking regulator; minus strand). Cytogenetic location: 1q42.3.
Variant type: single nucleotide variant.
Coding change: c.7415A>G on transcript NM_000081.4 (MANE Select); coding-DNA position 7415, A replaced by G.
Protein change: p.Tyr2472Cys; replaces tyrosine 2472 with cysteine.
Molecular consequence: missense variant.
Genome position (GRCh38, 1-based): chr1:235,753,089, T>C on the plus strand (A>G on the coding strand, the complement: LYST is on the minus strand). VCF-style: chr1-235753089-T-C. GRCh37 (hg19) VCF-style: chr1-235916389-T-C.
Other names: c.7415A>G, p.Tyr2472Cys (NM_001301365.1); short protein forms Y2472C.
Identifiers: ClinVar variation 2114246 (VCV002114246.4), dbSNP rs2527732615, ClinGen allele CA344931507.